The following is an entry in ClinVar:

NM_001098.3(ACO2):c.1279A>G (p.Ile427Val)

Gene: ACO2 (aconitase 2; plus strand). Cytogenetic location: 22q13.2.
Variant type: single nucleotide variant.
Coding change: c.1279A>G on transcript NM_001098.3 (MANE Select); coding-DNA position 1279, A replaced by G.
Protein change: p.Ile427Val; replaces isoleucine 427 with valine.
Molecular consequence: missense variant.
Genome position (GRCh38, 1-based): chr22:41,522,970, A>G. VCF-style: chr22-41522970-A-G. GRCh37 (hg19) VCF-style: chr22-41918974-A-G.
Other names: p.I427V:ATT>GTT; short protein forms I427V.
Identifiers: ClinVar variation 214021 (VCV000214021.11), dbSNP rs753933056, ClinGen allele CA322236.

ClinVar aggregate classification (germline): Uncertain significance. Review status: criteria provided, multiple submitters, no conflicts (2 of 4 stars). 3 submissions from 3 submitters: Uncertain significance (3). Last evaluated 2026-01-20.

Allele frequency attached by ClinVar (database versions not stated): ExAC 0.00002; gnomAD 0.00003; gnomAD exomes 0.00003 and 0.00004; TOPMed 0.00004.
gnomAD v4.1: 61 of 1,614,080 alleles (0.0038%); highest among the groups gnomAD compares: Middle Eastern, 0.082%; no homozygotes.

Submissions (3):

Labcorp Genetics (formerly Invitae), Labcorp
Classification: Uncertain significance. Last evaluated: 2026-01-20. Review status: criteria provided, single submitter. Criteria: Invitae Variant Classification Sherloc (09022015). Collection method: clinical testing. Allele origin: germline.
Comment: This sequence change replaces isoleucine, which is neutral and non-polar, with valine, which is neutral and non-polar, at codon 427 of the ACO2 protein (p.Ile427Val). This variant is present in population databases (rs753933056, gnomAD 0.006%). This variant has not been reported in the literature in individuals affected with ACO2-related conditions. ClinVar contains an entry for this variant (Variation ID: 214021). Invitae Evidence Modeling of protein sequence and biophysical properties (such as structural, functional, and spatial information, amino acid conservation, physicochemical variation, residue mobility, and thermodynamic stability) indicates that this missense variant is not expected to disrupt ACO2 protein function with a negative predictive value of 80%. In summary, the available evidence is currently insufficient to determine the role of this variant in disease. Therefore, it has been classified as a Variant of Uncertain Significance.

Blueprint Genetics
Classification: Uncertain significance. Last evaluated: 2024-08-19. Review status: criteria provided, single submitter. Criteria: ACMG Guidelines, 2015. Collection method: clinical testing. Allele origin: germline.

GeneDx
Classification: Uncertain significance. Last evaluated: 2016-09-27. Review status: criteria provided, single submitter. Criteria: GeneDx Variant Classification (06012015). Collection method: clinical testing. Allele origin: germline. Affected: yes.
Comment: p.Ile427Val (ATT>GTT): c.1279 A>G in exon 10 of the ACO2 gene (NM_001098.2). The I427V variant has not been published as a mutation, nor has it been reported as a benign polymorphism to our knowledge. The I427V variant is a conservative amino acid substitution, which is not likely to impact secondary protein structure as these residues share similar properties. This substitution occurs at a position that is conserved across species. In silico analysis is inconsistent in its predictions as to whether or not the variant is damaging to the protein structure/function. Therefore, based on the currently available information, it is unclear whether this variant is a pathogenic mutation or a rare benign variant. The variant is found in OAPEO-MITOP panel(s).